The following is an entry in ClinVar:

NM_002972.4(SBF1):c.5210T>C (p.Val1737Ala)

Gene: SBF1 (SET binding factor 1; minus strand). Cytogenetic location: 22q13.33.
Variant type: single nucleotide variant.
Coding change: c.5210T>C on transcript NM_002972.4 (MANE Select); coding-DNA position 5210, T replaced by C.
Protein change: p.Val1737Ala; replaces valine 1737 with alanine.
Molecular consequence: missense variant.
Genome position (GRCh38, 1-based): chr22:50,448,386, A>G on the plus strand (T>C on the coding strand, the complement: SBF1 is on the minus strand). VCF-style: chr22-50448386-A-G. GRCh37 (hg19) VCF-style: chr22-50886815-A-G.
Other names: c.5135T>C, p.Val1712Ala (NM_001365819.1); c.5213T>C, p.Val1738Ala (NM_001410794.1); c.5132T>C, p.Val1711Ala (NM_001410795.1); short protein forms V1711A, V1712A, V1737A, V1738A.
Identifiers: ClinVar variation 3360159 (VCV003360159.1).

ClinVar aggregate classification (germline): Uncertain significance (1 of 4 stars; one submission).

gnomAD v4.1: 1 of 1,613,916 alleles (0.000062%); no homozygotes.

Submission:

GeneDx
Classification: Uncertain significance. Last evaluated: 2023-06-20. Review status: criteria provided, single submitter. Criteria: GeneDx Variant Classification Process June 2021. Collection method: clinical testing. Allele origin: germline. Affected: yes.
Comment: Not observed at significant frequency in large population cohorts (gnomAD); In silico analysis supports that this missense variant does not alter protein structure/function; Has not been previously published as pathogenic or benign to our knowledge